The following is an entry in ClinVar:

NM_005186.4(CAPN1):c.268-2A>G

Gene: CAPN1 (calpain 1; plus strand). Cytogenetic location: 11q13.1.
Variant type: single nucleotide variant.
Coding change: c.268-2A>G on transcript NM_005186.4 (MANE Select); the canonical splice acceptor site of the intron before coding-DNA position 268, A replaced by G.
Molecular consequence: splice acceptor variant.
Genome position (GRCh38, 1-based): chr11:65,183,126, A>G. VCF-style: chr11-65183126-A-G. GRCh37 (hg19) VCF-style: chr11-64950597-A-G.
Other names: c.268-2A>G (NM_001198868.2, NM_001198869.2).
Identifiers: ClinVar variation 4681374 (VCV004681374.5).
Genomic context (GRCh38, chr11:65,183,126, plus strand): 5'-GTGGCCTGGTGCCAATTTCTGGGAGGGGCTGGCCGAGGAACAGGACTCTGGGTCTCTCGT[A>G]GGAACTGCTGTCAAACCCCCAGTTCATTGTGGATGGAGCTACCCGCACAGACATCTGCCA-3'

ClinVar aggregate classification (germline): Pathogenic (1 of 4 stars; one submission).

gnomAD v4.1: 8 of 1,613,760 alleles (0.0005%); highest among the groups gnomAD compares: Non-Finnish European, 0.00068%; no homozygotes.

Submission:

CeGaT Center for Human Genetics Tuebingen
Classification: Pathogenic. Last evaluated: 2025-12-01. Review status: criteria provided, single submitter. Criteria: CeGaT Center For Human Genetics Tuebingen Variant Classification Criteria Version 2. Collection method: clinical testing. Allele origin: germline. Affected: yes. Observed: 1 variant allele.
Comment: CAPN1: PVS1, PM2